The following is an entry in ClinVar:

NM_001430.5(EPAS1):c.2189G>A (p.Gly730Asp)

Gene: EPAS1 (endothelial PAS domain protein 1; plus strand). Cytogenetic location: 2p21.
Variant type: single nucleotide variant.
Coding change: c.2189G>A on transcript NM_001430.5 (MANE Select); coding-DNA position 2189, G replaced by A.
Protein change: p.Gly730Asp; replaces glycine 730 with aspartic acid.
Molecular consequence: missense variant.
Genome position (GRCh38, 1-based): chr2:46,381,991, G>A. VCF-style: chr2-46381991-G-A. GRCh37 (hg19) VCF-style: chr2-46609130-G-A.
Other names: short protein forms G730D.
Identifiers: ClinVar variation 1787383 (VCV001787383.2), dbSNP rs2546480041, ClinGen allele CA346705725.

ClinVar aggregate classification (germline): Uncertain significance (1 of 4 stars; one submission).

Conditions:
Inborn genetic diseases. Identifiers: MedGen C0950123, MeSH D030342.

Submission:

Ambry Genetics
Classification: Uncertain significance for Inborn genetic diseases. Last evaluated: 2022-09-20. Review status: criteria provided, single submitter. Criteria: Ambry Variant Classification Scheme 2023. Collection method: clinical testing. Allele origin: germline.
Comment: The p.G730D variant (also known as c.2189G>A), located in coding exon 14 of the EPAS1 gene, results from a G to A substitution at nucleotide position 2189. The glycine at codon 730 is replaced by aspartic acid, an amino acid with similar properties. This amino acid position is conserved. In addition, this alteration is predicted to be tolerated by in silico analysis. Since supporting evidence is limited at this time, the clinical significance of this alteration remains unclear.